The following is an entry in ClinVar:

ClinVar aggregate classification (germline): Uncertain significance (1 of 4 stars; one submission).

Conditions:
Inborn genetic diseases. Identifiers: MedGen C0950123, MeSH D030342.

Submission:

Ambry Genetics
Classification: Uncertain significance for Inborn genetic diseases. Last evaluated: 2022-02-14. Review status: criteria provided, single submitter. Criteria: Ambry Variant Classification Scheme 2023. Collection method: clinical testing. Allele origin: germline.
Comment: The p.V421I variant (also known as c.1261G>A), located in coding exon 4 of the SLC52A2 gene, results from a G to A substitution at nucleotide position 1261. The valine at codon 421 is replaced by isoleucine, an amino acid with highly similar properties. This amino acid position is conserved. In addition, the in silico prediction for this alteration is inconclusive. Since supporting evidence is limited at this time, the clinical significance of this alteration remains unclear.

NM_001363118.2(SLC52A2):c.1261G>A (p.Val421Ile)

Gene: SLC52A2 (solute carrier family 52 member 2; plus strand). Cytogenetic location: 8q24.3.
Variant type: single nucleotide variant.
Coding change: c.1261G>A on transcript NM_001363118.2 (MANE Select); coding-DNA position 1261, G replaced by A.
Protein change: p.Val421Ile; replaces valine 421 with isoleucine.
Molecular consequence: missense variant. On other transcripts: non-coding transcript variant (1).
Genome position (GRCh38, 1-based): chr8:144,360,938, G>A. VCF-style: chr8-144360938-G-A. GRCh37 (hg19) VCF-style: chr8-145584598-G-A.
Other names: c.1261G>A, p.Val421Ile (NM_001253815.2, NM_001253816.2, NM_001363120.2 and 2 more transcripts); c.769G>A, p.Val257Ile (NM_001363122.2); c.997G>A, p.Val333Ile (NM_001410949.1); short protein forms V257I, V333I, V421I.
Identifiers: ClinVar variation 1763316 (VCV001763316.2), dbSNP rs1454899347, ClinGen allele CA372630243.
Genomic context (GRCh38, chr8:144,360,938, plus strand): 5'-GGCCGGCCGGCATTGCTGGCAGCCGGCGTGGCCATCCAGGTGGGCTCTCTGCTCGGCGCT[G>A]TTGCTATGTTCCCCCCGACCAGCATCTATCACGTGTTCCACAGCAGAAAGGACTGTGCAG-3'
Protein context (NP_001350047.1, residues 411-431): AIQVGSLLGA[Val421Ile]AMFPPTSIYH